The following is an entry in ClinVar:

NM_015634.4(KIFBP):c.991-216T>C

Gene: KIFBP (kinesin family binding protein; plus strand). Cytogenetic location: 10q22.1.
Variant type: single nucleotide variant.
Coding change: c.991-216T>C on transcript NM_015634.4 (MANE Select); 216 bases into the intron before coding-DNA position 991, T replaced by C.
Molecular consequence: intron variant.
Genome position (GRCh38, 1-based): chr10:69,015,325, T>C. VCF-style: chr10-69015325-T-C. GRCh37 (hg19) VCF-style: chr10-70775081-T-C.
Identifiers: ClinVar variation 682818 (VCV000682818.1), dbSNP rs2429022, ClinGen allele CA13364694.

ClinVar aggregate classification (germline): Benign (1 of 4 stars; one submission).

Allele frequency attached by ClinVar (database versions not stated): 1000 Genomes Project 0.10403; 1000 Genomes Project 30x 0.10540; TOPMed 0.13390; gnomAD 0.13461 and 0.13606; gnomAD exomes 0.16305.

Submission:

GeneDx
Classification: Benign. Last evaluated: 2018-06-19. Review status: criteria provided, single submitter. Criteria: GeneDx Variant Classification (06012015). Collection method: clinical testing. Allele origin: germline. Affected: yes.
Comment: This variant is considered likely benign or benign based on one or more of the following criteria: it is a conservative change, it occurs at a poorly conserved position in the protein, it is predicted to be benign by multiple in silico algorithms, and/or has population frequency not consistent with disease.